The following is an entry in ClinVar:

NM_001290223.2(DOCK1):c.5347C>T (p.Pro1783Ser)

Gene: DOCK1 (dedicator of cytokinesis 1; plus strand). Cytogenetic location: 10q26.2.
Variant type: single nucleotide variant.
Coding change: c.5347C>T on transcript NM_001290223.2 (MANE Select); coding-DNA position 5347, C replaced by T.
Protein change: p.Pro1783Ser; replaces proline 1783 with serine.
Molecular consequence: missense variant.
Genome position (GRCh38, 1-based): chr10:127,444,213, C>T. VCF-style: chr10-127444213-C-T. GRCh37 (hg19) VCF-style: chr10-129242477-C-T.
Other names: c.5089C>T, p.Pro1697Ser (NM_001377556.1); c.5077C>T, p.Pro1693Ser (NM_001377558.1); c.4492C>T, p.Pro1498Ser (NM_001377560.1); c.5284C>T, p.Pro1762Ser (NM_001380.5); c.5446C>T, p.Pro1816Ser (NM_001377543.1); c.5320C>T, p.Pro1774Ser (NM_001377544.1); c.5227C>T, p.Pro1743Ser (NM_001377546.1); c.5221C>T, p.Pro1741Ser (NM_001377547.1); and 4 more; short protein forms P1693S, P1697S, P1711S, P1722S, P1734S, P1762S, P1498S, P1729S.
Identifiers: ClinVar variation 4014034 (VCV004014034.3).
Genomic context (GRCh38, chr10:127,444,213, plus strand): 5'-AAGAGCCAGGTGATGAACGTCATTGGAAGCGAAAGGCGCTTCTCGGTGTCCCCCTCGTCA[C>T]CGTCCTCCCAGCAAACACCCCCTCCAGTTACACCAAGGGCCAAGCTCAGCTTCAGCATGC-3'
Protein context (NP_001277152.2, residues 1773-1793): ERRFSVSPSS[Pro1783Ser]SSQQTPPPVT

ClinVar aggregate classification (germline): Uncertain significance. Review status: criteria provided, multiple submitters, no conflicts (2 of 4 stars). 2 submissions from 2 submitters: Uncertain significance (2). Last evaluated 2025-04-01.

gnomAD v4.1: 2 of 1,611,430 alleles (0.00012%); highest among the groups gnomAD compares: Admixed American, 0.0017%; no homozygotes.

Submissions (2):

Ambry Genetics
Classification: Uncertain significance. Last evaluated: 2025-04-01. Review status: criteria provided, single submitter. Criteria: Ambry Variant Classification Scheme 2023. Collection method: clinical testing. Allele origin: germline.

Dasa
Classification: Uncertain significance. Last evaluated: 2024-11-04. Review status: criteria provided, single submitter. Criteria: DASA Assertion Criteria. Collection method: clinical testing. Allele origin: germline.
Comment: NM_001290223.2(DOCK1):c.5347C>T (p.Pro1783Ser) is a missense variant that results in the substitution of proline with serine. This variant is rare in population databases. Computational prediction algorithms are consistent with a benign effect. The currently available literature and clinical evidence are not sufficient to establish a definitive association between this variant and the reported condition. Therefore, this variant is classified as a variant of uncertain significance.